The following is an entry in ClinVar:

NM_001009944.3(PKD1):c.1996G>A (p.Ala666Thr)

Gene: PKD1 (polycystin 1, transient receptor potential channel interacting; minus strand). Cytogenetic location: 16p13.3.
Variant type: single nucleotide variant.
Coding change: c.1996G>A on transcript NM_001009944.3 (MANE Select); coding-DNA position 1996, G replaced by A.
Protein change: p.Ala666Thr; replaces alanine 666 with threonine.
Molecular consequence: missense variant.
Genome position (GRCh38, 1-based): chr16:2,115,479, C>T on the plus strand (G>A on the coding strand, the complement: PKD1 is on the minus strand). VCF-style: chr16-2115479-C-T. GRCh37 (hg19) VCF-style: chr16-2165480-C-T.
Other names: c.1996G>A, p.Ala666Thr (NM_000296.4); short protein forms A666T.
Identifiers: ClinVar variation 4981486 (VCV004981486.1).

ClinVar aggregate classification (germline): Uncertain significance (1 of 4 stars; one submission).

Conditions:
PKD1-related disorder. Also called: PKD1-related condition.

gnomAD v4.1: 58 of 1,601,752 alleles (0.0036%); highest among the groups gnomAD compares: Middle Eastern, 0.023%; no homozygotes.

Submission:

PreventionGenetics, part of Exact Sciences
Classification: Uncertain significance for PKD1-related condition. Last evaluated: 2026-03-26. Review status: criteria provided, single submitter. Criteria: ACMG Guidelines, 2015. Collection method: clinical testing. Allele origin: germline.
Comment: The PKD1 c.1996G>A variant is predicted to result in the amino acid substitution p.Ala666Thr. To our knowledge, this variant has not been reported in the literature. This variant is reported in 0.0051% of alleles in individuals of African descent in gnomAD. At this time, the clinical significance of this variant is uncertain due to the absence of conclusive functional and genetic evidence.